The following is an entry in ClinVar:

ClinVar aggregate classification (germline): Likely benign. Review status: criteria provided, multiple submitters, no conflicts (2 of 4 stars). 3 submissions from 3 submitters: Likely benign (3). Last evaluated 2024-12-19.

Conditions:
Progressive myoclonic epilepsy. Also called: Myoclonic Epilepsies, Progressive; Familial progressive myoclonic epilepsy; Progressive myoclonus epilepsy; Myoclonus epilepsy. Identifiers: Orphanet 308, Orphanet 98261, MedGen C0751778, MONDO:0020074.

Allele frequency attached by ClinVar (database versions not stated): ExAC 0.00001; gnomAD exomes 0.00001 and 0.00003; gnomAD 0.00002; TOPMed 0.00003.
gnomAD v4.1: 49 of 1,612,228 alleles (0.003%); highest among the groups gnomAD compares: African/African-American, 0.004%; no homozygotes.

Submissions (3):

Labcorp Genetics (formerly Invitae), Labcorp
Classification: Likely benign for Progressive myoclonic epilepsy. Last evaluated: 2024-12-19. Review status: criteria provided, single submitter. Criteria: Invitae Variant Classification Sherloc (09022015). Collection method: clinical testing. Allele origin: germline.

Blueprint Genetics
Classification: Likely benign. Last evaluated: 2020-05-13. Review status: criteria provided, single submitter. Criteria: ACMG Guidelines, 2015. Collection method: clinical testing. Allele origin: germline.

GeneDx
Classification: Likely benign. Last evaluated: 2016-08-09. Review status: criteria provided, single submitter. Criteria: GeneDx Variant Classification (06012015). Collection method: clinical testing. Allele origin: germline. Affected: yes.
Comment: This variant is considered likely benign or benign based on one or more of the following criteria: it is a conservative change, it occurs at a poorly conserved position in the protein, it is predicted to be benign by multiple in silico algorithms, and/or has population frequency not consistent with disease.

NM_005506.4(SCARB2):c.275+14A>G

Gene: SCARB2 (scavenger receptor class B member 2; minus strand). Cytogenetic location: 4q21.1.
Variant type: single nucleotide variant.
Coding change: c.275+14A>G on transcript NM_005506.4 (MANE Select); 14 bases into the intron after coding-DNA position 275, A replaced by G.
Molecular consequence: intron variant.
Genome position (GRCh38, 1-based): chr4:76,195,693, T>C on the plus strand (A>G on the coding strand, the complement: SCARB2 is on the minus strand). VCF-style: chr4-76195693-T-C. GRCh37 (hg19) VCF-style: chr4-77116846-T-C.
Other names: c.275+14A>G (NM_001204255.2).
Identifiers: ClinVar variation 388519 (VCV000388519.6), dbSNP rs759250571, ClinGen allele CA2970381.